The following is an entry in ClinVar:

ClinVar aggregate classification (germline): Uncertain significance. Review status: criteria provided, multiple submitters, no conflicts (2 of 4 stars). 5 submissions from 5 submitters: Uncertain significance (4). 1 of the submissions does not count toward it. Last evaluated 2025-07-30.

Conditions:
Hereditary cancer-predisposing syndrome. Also called: Hereditary neoplastic syndrome; Hereditary Cancer Syndrome; Neoplastic Syndromes, Hereditary; Tumor predisposition. Identifiers: Orphanet 140162, MedGen C0027672, MeSH D009386, MONDO:0015356.
Familial adenomatous polyposis 1 (FAP1). Also called: FAMILIAL ADENOMATOUS POLYPOSIS 1, ATTENUATED; POLYPOSIS, ADENOMATOUS INTESTINAL. Identifiers: MedGen C2713442, MONDO:0021056, OMIM 175100. Disease mechanism: loss of function.

Allele frequency attached by ClinVar (database versions not stated): gnomAD exomes below 0.00001; TOPMed below 0.00001; ExAC 0.00001; gnomAD 0.00001.
gnomAD v4.1: 4 of 1,614,108 alleles (0.00025%); highest among the groups gnomAD compares: Non-Finnish European, 0.00034%; no homozygotes.

Submissions (5):

Color Diagnostics, LLC DBA Color Health
Classification: Uncertain significance for Hereditary cancer-predisposing syndrome. Last evaluated: 2025-07-30. Review status: criteria provided, single submitter. Criteria: ACMG Guidelines, 2015. Collection method: clinical testing. Allele origin: germline.
Comment: This missense variant replaces serine with cysteine at codon 908 of the APC protein. Computational prediction suggests that this variant may not impact protein structure and function. To our knowledge, functional studies have not been reported for this variant. This variant has not been reported in individuals affected with APC-related disorders in the literature. This variant has been identified in 1/251040 chromosomes in the general population by the Genome Aggregation Database (gnomAD). The available evidence is insufficient to determine the role of this variant in disease conclusively. Therefore, this variant is classified as a Variant of Uncertain Significance.

Labcorp Genetics (formerly Invitae), Labcorp
Classification: Uncertain significance for Familial adenomatous polyposis 1. Last evaluated: 2025-03-16. Review status: criteria provided, single submitter. Criteria: Invitae Variant Classification Sherloc (09022015). Collection method: clinical testing. Allele origin: germline.
Comment: This sequence change replaces serine, which is neutral and polar, with cysteine, which is neutral and slightly polar, at codon 908 of the APC protein (p.Ser908Cys). This variant is present in population databases (rs746393911, gnomAD 0.0009%). This variant has not been reported in the literature in individuals affected with APC-related conditions. ClinVar contains an entry for this variant (Variation ID: 374938). Invitae Evidence Modeling of protein sequence and biophysical properties (such as structural, functional, and spatial information, amino acid conservation, physicochemical variation, residue mobility, and thermodynamic stability) indicates that this missense variant is not expected to disrupt APC protein function with a negative predictive value of 95%. In summary, the available evidence is currently insufficient to determine the role of this variant in disease. Therefore, it has been classified as a Variant of Uncertain Significance.

Ambry Genetics
Classification: Uncertain significance for Hereditary cancer-predisposing syndrome. Last evaluated: 2024-09-20. Review status: criteria provided, single submitter. Criteria: Ambry Variant Classification Scheme 2023. Collection method: clinical testing. Allele origin: germline.
Comment: The p.S908C variant (also known as c.2723C>G), located in coding exon 15 of the APC gene, results from a C to G substitution at nucleotide position 2723. The serine at codon 908 is replaced by cysteine, an amino acid with dissimilar properties. This amino acid position is well conserved in available vertebrate species. In addition, in silico predictors for this gene do not accurately predict pathogenicity. Missense alterations in APC are not a common cause of disease (Spier I et al. Genet Med. 2024 Feb;26(2):100992). Based on the available evidence, the clinical significance of this variant remains unclear.

Baylor Genetics
Classification: Uncertain significance for Familial adenomatous polyposis 1. Last evaluated: 2024-03-05. Review status: criteria provided, single submitter. Criteria: ACMG Guidelines, 2015. Collection method: clinical testing. Allele origin: unknown.

Knight Diagnostic Laboratories, Oregon Health and Sciences University
Classification: Uncertain significance for Familial adenomatous polyposis 1. Last evaluated: 2015-09-26. Review status: no assertion criteria provided. Criteria: ACMG Guidelines, 2015. Collection method: clinical testing. Allele origin: germline. Affected: no. Study: CSER-NextGen. Not counted in ClinVar's aggregate classification.

NM_000038.6(APC):c.2723C>G (p.Ser908Cys)

Gene: APC (APC regulator of Wnt signaling pathway; plus strand). Cytogenetic location: 5q22.2.
Variant type: single nucleotide variant.
Coding change: c.2723C>G on transcript NM_000038.6 (MANE Select); coding-DNA position 2723, C replaced by G.
Protein change: p.Ser908Cys; replaces serine 908 with cysteine.
Molecular consequence: missense variant.
Genome position (GRCh38, 1-based): chr5:112,838,317, C>G. VCF-style: chr5-112838317-C-G. GRCh37 (hg19) VCF-style: chr5-112174014-C-G.
Other names: c.2723C>G, p.Ser908Cys (NM_001127510.3, NM_001354895.2); c.2669C>G, p.Ser890Cys (NM_001127511.3); c.2777C>G, p.Ser926Cys (NM_001354896.2); c.2753C>G, p.Ser918Cys (NM_001354897.2); c.2648C>G, p.Ser883Cys (NM_001354898.2); c.2639C>G, p.Ser880Cys (NM_001354899.2); c.2600C>G, p.Ser867Cys (NM_001354900.2); c.2546C>G, p.Ser849Cys (NM_001354901.2); and 5 more; short protein forms S890C, S908C, S625C, S748C, S782C, S807C, S849C, S883C.
Identifiers: ClinVar variation 374938 (VCV000374938.19), dbSNP rs746393911, ClinGen allele CA033152.